The following is an entry in ClinVar:

ClinVar aggregate classification (germline): Likely benign. Review status: criteria provided, multiple submitters, no conflicts (2 of 4 stars). 3 submissions from 3 submitters: Likely benign (3). Last evaluated 2026-09-03.

Conditions:
SLC52A2-related disorder. Also called: SLC52A2-related condition.
Brown-Vialetto-van Laere syndrome 2. Also called: SPINOCEREBELLAR ATAXIA WITH BLINDNESS AND DEAFNESS 2; Riboflavin transporter deficiency type 2. Identifiers: Orphanet 572543, Orphanet 97229, MedGen C3553538, MONDO:0013867, OMIM 614707.

Allele frequency attached by ClinVar (database versions not stated): TOPMed 0.00003; gnomAD 0.00002 and 0.00001; ExAC 0.00003; gnomAD exomes 0.00003.

Submissions (3):

PreventionGenetics, part of Exact Sciences
Classification: Likely benign for SLC52A2-related condition. Last evaluated: 2026-09-03. Review status: criteria provided, single submitter. Criteria: ACMG Guidelines, 2015. Collection method: clinical testing. Allele origin: germline.
Comment: This variant is classified as likely benign based on ACMG/AMP sequence variant interpretation guidelines (Richards et al. 2015 PMID: 25741868, with internal and published modifications).

Labcorp Genetics (formerly Invitae), Labcorp
Classification: Likely benign for Brown-Vialetto-van Laere syndrome 2. Last evaluated: 2026-01-19. Review status: criteria provided, single submitter. Criteria: Invitae Variant Classification Sherloc (09022015). Collection method: clinical testing. Allele origin: germline.

Blueprint Genetics
Classification: Likely benign. Last evaluated: 2024-04-15. Review status: criteria provided, single submitter. Criteria: ACMG Guidelines, 2015. Collection method: clinical testing. Allele origin: germline.

NM_001363118.2(SLC52A2):c.861C>T (p.Asn287=)

Gene: SLC52A2 (solute carrier family 52 member 2; plus strand). Cytogenetic location: 8q24.3.
Variant type: single nucleotide variant.
Coding change: c.861C>T on transcript NM_001363118.2 (MANE Select); coding-DNA position 861, C replaced by T.
Protein change: p.Asn287=; no amino-acid change (asparagine 287 retained).
Molecular consequence: synonymous variant. On other transcripts: non-coding transcript variant (1).
Genome position (GRCh38, 1-based): chr8:144,360,353, C>T. VCF-style: chr8-144360353-C-T. GRCh37 (hg19) VCF-style: chr8-145584013-C-T.
Other names: c.861C>T, p.Asn287= (NM_001253815.2, NM_001253816.2, NM_001363120.2 and 2 more transcripts); c.369C>T, p.Asn123= (NM_001363122.2); c.861C>T (NM_001253816.1).
Identifiers: ClinVar variation 764394 (VCV000764394.9), dbSNP rs782362832, ClinGen allele CA4938293.